The following is an entry in ClinVar:

NM_003466.4(PAX8):c.322C>T (p.Arg108Ter)

Genes: PAX8-AS1 (PAX8 antisense RNA 1; plus strand), PAX8 (paired box 8; minus strand). Cytogenetic location: 2q14.1.
Variant type: single nucleotide variant.
Coding change: c.322C>T on transcript NM_003466.4 (MANE Select); coding-DNA position 322, C replaced by T.
Protein change: p.Arg108Ter; replaces arginine 108 with a stop codon.
Molecular consequence: nonsense.
Genome position (GRCh38, 1-based): chr2:113,244,494, G>A on the plus strand (C>T on the coding strand, the complement: PAX8 is on the minus strand). VCF-style: chr2-113244494-G-A. GRCh37 (hg19) VCF-style: chr2-114002071-G-A.
Other names: c.322C>T, p.Arg108Ter (NM_013952.4, NM_013953.4, NM_013992.4); short protein forms R108*.
Identifiers: ClinVar variation 13783 (VCV000013783.4), dbSNP rs104893655, ClinGen allele CA123459.
Genomic context (GRCh38, chr2:113,244,494, plus strand): 5'-TGGAGCTGACACTGGGCACAGTGTCATTGTCACAGACGCCCTCAGCCAGGAGCCGGTCTC[G>A]GATCTCCCAGGCAAACATGGTAGGGTTCTGGCGTTTGTAGTCCCCAATCTTCTCCACCAC-3'

ClinVar aggregate classification (germline): Pathogenic. Review status: criteria provided, single submitter (1 of 4 stars). 2 submissions from 2 submitters: Pathogenic (1). 1 of the submissions does not count toward it. Last evaluated 2022-04-20.

Conditions:
Hypothyroidism, congenital, nongoitrous, 2 (CHNG2). Also called: Hypothyroidism, congenital, due to thyroid dysgenesis or hypoplasia. Identifiers: Orphanet 95712, MedGen C1869118, MONDO:0024264, OMIM 218700.

Submissions (2):

MGZ Medical Genetics Center
Classification: Pathogenic for Hypothyroidism, congenital, nongoitrous, 2. Last evaluated: 2022-04-20. Review status: criteria provided, single submitter. Criteria: ACMG Guidelines, 2015. Collection method: clinical testing. Allele origin: germline. Affected: yes. Observed: 2 variant alleles.
Comment: ACMG criteria applied: PVS1, PM2_SUP, PP1

OMIM
Classification: Pathogenic for HYPOTHYROIDISM, CONGENITAL, NONGOITROUS, 2. Last evaluated: 1998-05-01. Review status: no assertion criteria provided. Collection method: literature only. Allele origin: germline. Not counted in ClinVar's aggregate classification.

Literature cited by the submitters: PubMed 9590296 (cited by OMIM).